The following is an entry in ClinVar:

ClinVar aggregate classification (germline): Likely benign (0 of 4 stars; one submission).

Conditions:
SOX1-related disorder. Also called: SOX1-related condition.

Allele frequency attached by ClinVar (database versions not stated): 1000 Genomes Project 0.00479; 1000 Genomes Project 30x 0.00515; gnomAD 0.00609; TOPMed 0.00672.
gnomAD v4.1: 1,601 of 1,219,162 alleles (0.13%); highest among the groups gnomAD compares: African/African-American, 2.1%; 19 homozygotes.

Submission:

PreventionGenetics, part of Exact Sciences
Classification: Likely benign for SOX1-related condition. Last evaluated: 2020-11-17. Review status: no assertion criteria provided. Collection method: clinical testing. Allele origin: germline.
Comment: This variant is classified as likely benign based on ACMG/AMP sequence variant interpretation guidelines (Richards et al. 2015 PMID: 25741868, with internal and published modifications).

NM_005986.3(SOX1):c.1155G>A (p.Thr385=)

Genes: SOX1 (SRY-box transcription factor 1; plus strand), SOX1-OT (SOX1 overlapping transcript; plus strand). Cytogenetic location: 13q34.
Variant type: single nucleotide variant.
Coding change: c.1155G>A on transcript NM_005986.3 (MANE Select); coding-DNA position 1155, G replaced by A.
Protein change: p.Thr385=; no amino-acid change (threonine 385 retained).
Molecular consequence: synonymous variant.
Genome position (GRCh38, 1-based): chr13:112,068,813, G>A. VCF-style: chr13-112068813-G-A. GRCh37 (hg19) VCF-style: chr13-112723127-G-A.
Identifiers: ClinVar variation 3043263 (VCV003043263.2), dbSNP rs187800294, ClinGen allele CA7054778.